The following is an entry in ClinVar:

NM_006736.6(DNAJB2):c.233C>T (p.Thr78Ile)

Gene: DNAJB2 (DnaJ heat shock protein family (Hsp40) member B2; plus strand). Cytogenetic location: 2q35.
Variant type: single nucleotide variant.
Coding change: c.233C>T on transcript NM_006736.6 (MANE Select); coding-DNA position 233, C replaced by T.
Protein change: p.Thr78Ile; replaces threonine 78 with isoleucine.
Molecular consequence: missense variant.
Genome position (GRCh38, 1-based): chr2:219,281,942, C>T. VCF-style: chr2-219281942-C-T. GRCh37 (hg19) VCF-style: chr2-220146664-C-T.
Other names: c.233C>T, p.Thr78Ile (NM_001039550.2); short protein forms T78I.
Identifiers: ClinVar variation 1330564 (VCV001330564.7), dbSNP rs1951908601, ClinGen allele CA350647854.
Genomic context (GRCh38, chr2:219,281,942, plus strand): 5'-TCCCCCGCTCAGGGCAGGATGCATGCCCTAAGCTCTCTCCTCATCCTGCCTTTCCAGGAA[C>T]TGGCCCATCTCGGGCAGAAGCTGGCAGTGGTGGGCCTGGCTTCACCTTCACCTTCCGCAG-3'
Protein context (NP_006727.2, residues 68-88): YGREGLTGTG[Thr78Ile]GPSRAEAGSG

ClinVar aggregate classification (germline): Uncertain significance (1 of 4 stars; one submission).

Conditions:
Neuronopathy, distal hereditary motor, autosomal recessive 5. Also called: Young adult-onset distal hereditary motor neuropathy; NEUROPATHY, DISTAL HEREDITARY MOTOR, AUTOSOMAL RECESSIVE 5; Spinal muscular atrophy, distal, autosomal recessive, 5. Identifiers: Orphanet 314485, Orphanet 443950, MedGen C4749918, MONDO:0013947, OMIM 614881.

Submission:

ARUP Laboratories, Molecular Genetics and Genomics, ARUP Laboratories
Classification: Uncertain significance for Neuronopathy, distal hereditary motor, autosomal recessive 5. Last evaluated: 2021-10-14. Review status: criteria provided, single submitter. Criteria: ARUP Molecular Germline Variant Investigation Process 2021. Collection method: clinical testing. Allele origin: germline.
Comment: The DNAJB2 c.233C>T; p.Thr78Ile variant, to our knowledge, is not reported in the medical literature or gene-specific databases. This variant is also absent from general population databases (Exome Variant Server, Genome Aggregation Database), indicating it is not a common polymorphism. The threonine at codon 78 is weakly conserved, and computational analyses predict that this variant is neutral (REVEL: 0.102). However, given the lack of clinical and functional data, the significance of the p.Thr78Ile variant is uncertain at this time.